The following is an entry in ClinVar:

NM_000553.6(WRN):c.1870T>C (p.Ser624Pro)

Gene: WRN (WRN RecQ like helicase; plus strand). Cytogenetic location: 8p12.
Variant type: single nucleotide variant.
Coding change: c.1870T>C on transcript NM_000553.6 (MANE Select); coding-DNA position 1870, T replaced by C.
Protein change: p.Ser624Pro; replaces serine 624 with proline.
Molecular consequence: missense variant.
Genome position (GRCh38, 1-based): chr8:31,091,870, T>C. VCF-style: chr8-31091870-T-C. GRCh37 (hg19) VCF-style: chr8-30949386-T-C.
Other names: short protein forms S624P.
Identifiers: ClinVar variation 1350052 (VCV001350052.6), dbSNP rs2130178743, ClinGen allele CA370928467.

ClinVar aggregate classification (germline): Uncertain significance (1 of 4 stars; one submission).

Conditions:
Werner syndrome (WRN). Identifiers: Orphanet 902, MedGen C0043119, MONDO:0010196, OMIM 277700.

Submission:

Labcorp Genetics (formerly Invitae), Labcorp
Classification: Uncertain significance for Werner syndrome. Last evaluated: 2024-04-29. Review status: criteria provided, single submitter. Criteria: Invitae Variant Classification Sherloc (09022015). Collection method: clinical testing. Allele origin: germline.
Comment: This sequence change replaces serine, which is neutral and polar, with proline, which is neutral and non-polar, at codon 624 of the WRN protein (p.Ser624Pro). This variant is not present in population databases (gnomAD no frequency). This variant has not been reported in the literature in individuals affected with WRN-related conditions. ClinVar contains an entry for this variant (Variation ID: 1350052). Algorithms developed to predict the effect of missense changes on protein structure and function output the following: SIFT: "Not Available"; PolyPhen-2: "Benign"; Align-GVGD: "Not Available". The proline amino acid residue is found in multiple mammalian species, which suggests that this missense change does not adversely affect protein function. In summary, the available evidence is currently insufficient to determine the role of this variant in disease. Therefore, it has been classified as a Variant of Uncertain Significance.